The following is an entry in ClinVar:

ClinVar aggregate classification (germline): Uncertain significance (1 of 4 stars; one submission).

Submission:

GeneDx
Classification: Uncertain significance. Last evaluated: 2023-12-15. Review status: criteria provided, single submitter. Criteria: GeneDx Variant Classification Process June 2021. Collection method: clinical testing. Allele origin: germline.
Comment: Not observed at significant frequency in large population cohorts (gnomAD); In silico analysis supports that this missense variant has a deleterious effect on protein structure/function; Has not been previously published as pathogenic or benign to our knowledge

NM_017534.6(MYH2):c.388A>G (p.Lys130Glu)

Genes: MYH2 (myosin heavy chain 2; minus strand), MYHAS (myosin heavy chain gene cluster antisense RNA; plus strand). Cytogenetic location: 17p13.1.
Variant type: single nucleotide variant.
Coding change: c.388A>G on transcript NM_017534.6 (MANE Select); coding-DNA position 388, A replaced by G.
Protein change: p.Lys130Glu; replaces lysine 130 with glutamic acid.
Molecular consequence: missense variant.
Genome position (GRCh38, 1-based): chr17:10,545,463, T>C on the plus strand (A>G on the coding strand, the complement: MYH2 is on the minus strand). VCF-style: chr17-10545463-T-C. GRCh37 (hg19) VCF-style: chr17-10448780-T-C.
Other names: c.388A>G, p.Lys130Glu (NM_001100112.2); short protein forms K130E.
Identifiers: ClinVar variation 2412953 (VCV002412953.3), dbSNP rs2508474204, ClinGen allele CA398171164.
Genomic context (GRCh38, chr17:10,545,463, plus strand): 5'-CCTGGCGCTTTTTGCCTCGGTAGGCTGTCACCACCTCGGGCTTATACACAGGCAGCCACT[T>C]GTAGGGGTTGACAGTGACACAGAAGAGACCTGAATAGGTCTATGAGAAGGAAAAAGAATA-3'
Protein context (NP_060004.3, residues 120-140): GLFCVTVNPY[Lys130Glu]WLPVYKPEVV